The following is an entry in ClinVar:

ClinVar aggregate classification (germline): Uncertain significance (1 of 4 stars; one submission).

Conditions:
Idiopathic generalized epilepsy. Also called: Generalised epilepsy; EIG. Identifiers: MedGen C0270850, MONDO:0005579, OMIM 600669.
Hyperaldosteronism, familial, type IV (HALD4). Also called: FH IV; ALDOSTERONISM, PRIMARY, AND HYPERTENSION. Identifiers: Orphanet 642671, MedGen C4310756, MONDO:0014875, OMIM 617027.

Submission:

Labcorp Genetics (formerly Invitae), Labcorp
Classification: Uncertain significance for Idiopathic generalized epilepsy; Hyperaldosteronism, familial, type IV. Last evaluated: 2023-09-03. Review status: criteria provided, single submitter. Criteria: Invitae Variant Classification Sherloc (09022015). Collection method: clinical testing. Allele origin: germline.
Comment: This sequence change creates a premature translational stop signal (p.Ala545Trpfs*33) in the CACNA1H gene. It is expected to result in an absent or disrupted protein product. However, the current clinical and genetic evidence is not sufficient to establish whether loss-of-function variants in CACNA1H cause disease. This variant is not present in population databases (gnomAD no frequency). This variant has not been reported in the literature in individuals affected with CACNA1H-related conditions. In summary, the available evidence is currently insufficient to determine the role of this variant in disease. Therefore, it has been classified as a Variant of Uncertain Significance.

NM_021098.3(CACNA1H):c.1633_1648del (p.Ala545fs)

Gene: CACNA1H (calcium voltage-gated channel subunit alpha1 H; plus strand). Cytogenetic location: 16p13.3.
Variant type: Deletion.
Coding change: c.1633_1648del on transcript NM_021098.3 (MANE Select); coding-DNA positions 1633 to 1648, 16 bases deleted (GCCTGCGACACCAGGC).
Protein change: p.Ala545fs; shifts the reading frame from alanine 545.
Molecular consequence: frameshift variant.
Genome position (GRCh38, 1-based): chr16:1,202,083-1,202,098, GCCTGCGACACCAGGC deleted; deleting any 16 consecutive bases within chr16:1,202,077-1,202,098 gives the same sequence; the c. name uses the placement nearest the transcript's 3' end. VCF-style (leftmost placement, unchanged base first): chr16-1202076-GCCAGGCGCCTGCGACA-G. GRCh37 (hg19) VCF-style: chr16-1252076-GCCAGGCGCCTGCGACA-G.
Other names: c.1633_1648del, p.Ala545fs (NM_001005407.2); short protein forms A545fs.
Identifiers: ClinVar variation 2951539 (VCV002951539.3), dbSNP rs2548644959, ClinGen allele CA2740096802.